The following is an entry in ClinVar:

NM_002299.4(LCT):c.2990T>C (p.Val997Ala)

Gene: LCT (lactase; minus strand). Cytogenetic location: 2q21.3.
Variant type: single nucleotide variant.
Coding change: c.2990T>C on transcript NM_002299.4 (MANE Select); coding-DNA position 2990, T replaced by C.
Protein change: p.Val997Ala; replaces valine 997 with alanine.
Molecular consequence: missense variant.
Genome position (GRCh38, 1-based): chr2:135,809,357, A>G on the plus strand (T>C on the coding strand, the complement: LCT is on the minus strand). VCF-style: chr2-135809357-A-G. GRCh37 (hg19) VCF-style: chr2-136566927-A-G.
Other names: short protein forms V997A.
Identifiers: ClinVar variation 1959415 (VCV001959415.5), dbSNP rs369013615, ClinGen allele CA1888132.

ClinVar aggregate classification (germline): Uncertain significance. Review status: criteria provided, multiple submitters, no conflicts (2 of 4 stars). 2 submissions from 2 submitters: Uncertain significance (2). Last evaluated 2025-04-14.

Conditions:
Inborn genetic diseases. Identifiers: MedGen C0950123, MeSH D030342.

Allele frequency attached by ClinVar (database versions not stated): gnomAD 0.00001; ExAC 0.00002; ESP Exome Variant Server 0.00008; TOPMed below 0.00001.
gnomAD v4.1: 16 of 1,614,058 alleles (0.00099%); highest among the groups gnomAD compares: African/African-American, 0.0027%; no homozygotes.

Submissions (2):

Ambry Genetics
Classification: Uncertain significance for Inborn genetic diseases. Last evaluated: 2025-04-14. Review status: criteria provided, single submitter. Criteria: Ambry Variant Classification Scheme 2023. Collection method: clinical testing. Allele origin: germline.

Labcorp Genetics (formerly Invitae), Labcorp
Classification: Uncertain significance. Last evaluated: 2022-10-17. Review status: criteria provided, single submitter. Criteria: Invitae Variant Classification Sherloc (09022015). Collection method: clinical testing. Allele origin: germline.
Comment: This sequence change replaces valine, which is neutral and non-polar, with alanine, which is neutral and non-polar, at codon 997 of the LCT protein (p.Val997Ala). This variant is present in population databases (rs369013615, gnomAD 0.004%). This variant has not been reported in the literature in individuals affected with LCT-related conditions. Advanced modeling of protein sequence and biophysical properties (such as structural, functional, and spatial information, amino acid conservation, physicochemical variation, residue mobility, and thermodynamic stability) performed at Invitae indicates that this missense variant is not expected to disrupt LCT protein function. In summary, the available evidence is currently insufficient to determine the role of this variant in disease. Therefore, it has been classified as a Variant of Uncertain Significance.